The following is an entry in ClinVar:

NM_001162501.2(TNRC6B):c.5078A>T (p.Lys1693Ile)

Gene: TNRC6B (trinucleotide repeat containing adaptor 6B; plus strand). Cytogenetic location: 22q13.1.
Variant type: single nucleotide variant.
Coding change: c.5078A>T on transcript NM_001162501.2 (MANE Select); coding-DNA position 5078, A replaced by T.
Protein change: p.Lys1693Ile; replaces lysine 1693 with isoleucine.
Molecular consequence: missense variant.
Genome position (GRCh38, 1-based): chr22:40,321,193, A>T. VCF-style: chr22-40321193-A-T. GRCh37 (hg19) VCF-style: chr22-40717197-A-T.
Other names: c.2666A>T, p.Lys889Ile (NM_001024843.2); c.4748A>T, p.Lys1583Ile (NM_015088.3); short protein forms K1583I, K1693I, K889I.
Identifiers: ClinVar variation 4055970 (VCV004055970.1).

ClinVar aggregate classification (germline): Uncertain significance (1 of 4 stars; one submission).

Submission:

GeneDx
Classification: Uncertain significance. Last evaluated: 2025-01-04. Review status: criteria provided, single submitter. Criteria: GeneDx Variant Classification Process June 2021. Collection method: clinical testing. Allele origin: germline. Affected: yes.
Comment: Not observed at significant frequency in large population cohorts (gnomAD); In silico analysis supports that this missense variant has a deleterious effect on protein structure/function; Has not been previously published as pathogenic or benign to our knowledge